The following is an entry in ClinVar:

ClinVar aggregate classification (germline): Pathogenic (1 of 4 stars; one submission).

Conditions:
Rubinstein-Taybi syndrome due to EP300 haploinsufficiency. Also called: EP300-Related Rubinstein-Taybi Syndrome; RUBINSTEIN-TAYBI SYNDROME 2. Identifiers: Orphanet 353284, Orphanet 783, MedGen C3150941, MONDO:0013364, OMIM 613684.

Submission:

Labcorp Genetics (formerly Invitae), Labcorp
Classification: Pathogenic for Rubinstein-Taybi syndrome due to EP300 haploinsufficiency. Last evaluated: 2021-01-18. Review status: criteria provided, single submitter. Criteria: Invitae Variant Classification Sherloc (09022015). Collection method: clinical testing. Allele origin: germline.
Comment: This variant has not been reported in the literature in individuals with EP300-related conditions. For these reasons, this variant has been classified as Pathogenic. Loss-of-function variants in EP300 are known to be pathogenic (PMID: 15706485, 24476420). This variant is not present in population databases (ExAC no frequency). This sequence change creates a premature translational stop signal (p.Glu1229Asnfs*48) in the EP300 gene. It is expected to result in an absent or disrupted protein product.

Literature cited by the submitters: PubMed 15706485; PubMed 24476420.

NM_001429.4(EP300):c.3684del (p.Glu1229fs)

Gene: EP300 (EP300 lysine acetyltransferase; plus strand). Cytogenetic location: 22q13.2.
Variant type: Deletion.
Coding change: c.3684del on transcript NM_001429.4 (MANE Select); coding-DNA position 3684, one base deleted (A; older notation c.3684delA).
Protein change: p.Glu1229fs; shifts the reading frame from glutamic acid 1229.
Molecular consequence: frameshift variant.
Genome position (GRCh38, 1-based): chr22:41,162,735, A deleted; the last of 3 consecutive A bases (chr22:41,162,733-41,162,735); deleting any one gives the same sequence. VCF-style (leftmost placement, unchanged base first): chr22-41162732-TA-T. GRCh37 (hg19) VCF-style: chr22-41558736-TA-T.
Other names: c.3606del, p.Glu1203fs (NM_001362843.2); short protein forms E1203fs, E1229fs.
Identifiers: ClinVar variation 1370430 (VCV001370430.44), dbSNP rs2145754777, ClinGen allele CA2573158203.
Genomic context (GRCh38, chr22:41,162,732, plus strand): 5'-GATTGCTCATCTCTATCACTTTTTCTCATTGTGTCCCTTTTCTCTCCTTAGTACAATAAA[TA>T]AAGAACAATTTTCCAAGAGAAAAAATGACACACTGGATCCTGAACTGTAAGTACGATCCC-3'